The following is an entry in ClinVar:

ClinVar aggregate classification (germline): Pathogenic (1 of 4 stars; one submission).

Allele frequency attached by ClinVar (database versions not stated): gnomAD exomes below 0.00001.
gnomAD v4.1: 2 of 1,614,180 alleles (0.00012%); highest among the groups gnomAD compares: Non-Finnish European, 0.00017%; no homozygotes.

Submission:

Labcorp Genetics (formerly Invitae), Labcorp
Classification: Pathogenic. Last evaluated: 2023-07-21. Review status: criteria provided, single submitter. Criteria: Invitae Variant Classification Sherloc (09022015). Collection method: clinical testing. Allele origin: germline.
Comment: ClinVar contains an entry for this variant (Variation ID: 1363175). This sequence change creates a premature translational stop signal (p.Gln142*) in the SLC18A2 gene. It is expected to result in an absent or disrupted protein product. Loss-of-function variants in SLC18A2 are known to be pathogenic (PMID: 26539891, 31618753). This variant is not present in population databases (gnomAD no frequency). This variant has not been reported in the literature in individuals affected with SLC18A2-related conditions. For these reasons, this variant has been classified as Pathogenic.

Literature cited by the submitters: PubMed 26539891; PubMed 31618753.

NM_003054.6(SLC18A2):c.424C>T (p.Gln142Ter)

Gene: SLC18A2 (solute carrier family 18 member A2; plus strand). Cytogenetic location: 10q25.3.
Variant type: single nucleotide variant.
Coding change: c.424C>T on transcript NM_003054.6 (MANE Select); coding-DNA position 424, C replaced by T.
Protein change: p.Gln142Ter; replaces glutamine 142 with a stop codon.
Molecular consequence: nonsense.
Genome position (GRCh38, 1-based): chr10:117,244,273, C>T. VCF-style: chr10-117244273-C-T. GRCh37 (hg19) VCF-style: chr10-119003784-C-T.
Other names: short protein forms Q142*.
Identifiers: ClinVar variation 1363175 (VCV001363175.6), dbSNP rs2133726005, ClinGen allele CA378510388.